The following is an entry in ClinVar:

ClinVar aggregate classification (germline): Uncertain significance. Review status: criteria provided, multiple submitters, no conflicts (2 of 4 stars). 2 submissions from 2 submitters: Uncertain significance (2). Last evaluated 2025-10-08.

Allele frequency attached by ClinVar (database versions not stated): ExAC 0.00003; gnomAD 0.00004.
gnomAD v4.1: 71 of 1,614,064 alleles (0.0044%); highest among the groups gnomAD compares: Non-Finnish European, 0.0058%; 1 homozygote.

Submissions (2):

Labcorp Genetics (formerly Invitae), Labcorp
Classification: Uncertain significance. Last evaluated: 2025-10-08. Review status: criteria provided, single submitter. Criteria: Invitae Variant Classification Sherloc (09022015). Collection method: clinical testing. Allele origin: germline.
Comment: This sequence change replaces aspartic acid, which is acidic and polar, with asparagine, which is neutral and polar, at codon 89 of the KLHL9 protein (p.Asp89Asn). This variant is present in population databases (rs200040272, gnomAD 0.007%). This variant has not been reported in the literature in individuals affected with KLHL9-related conditions. ClinVar contains an entry for this variant (Variation ID: 2901568). Invitae Evidence Modeling of protein sequence and biophysical properties (such as structural, functional, and spatial information, amino acid conservation, physicochemical variation, residue mobility, and thermodynamic stability) indicates that this missense variant is not expected to disrupt KLHL9 protein function with a negative predictive value of 80%. In summary, the available evidence is currently insufficient to determine the role of this variant in disease. Therefore, it has been classified as a Variant of Uncertain Significance.

Ambry Genetics
Classification: Uncertain significance. Last evaluated: 2024-01-29. Review status: criteria provided, single submitter. Criteria: Ambry Variant Classification Scheme 2023. Collection method: clinical testing. Allele origin: germline.

NM_018847.4(KLHL9):c.265G>A (p.Asp89Asn)

Gene: KLHL9 (kelch like family member 9; minus strand). Cytogenetic location: 9p21.3.
Variant type: single nucleotide variant.
Coding change: c.265G>A on transcript NM_018847.4 (MANE Select); coding-DNA position 265, G replaced by A.
Protein change: p.Asp89Asn; replaces aspartic acid 89 with asparagine.
Molecular consequence: missense variant.
Genome position (GRCh38, 1-based): chr9:21,334,595, C>T on the plus strand (G>A on the coding strand, the complement: KLHL9 is on the minus strand). VCF-style: chr9-21334595-C-T. GRCh37 (hg19) VCF-style: chr9-21334594-C-T.
Other names: c.265G>A (NM_018847.2); short protein forms D89N.
Identifiers: ClinVar variation 2901568 (VCV002901568.4), dbSNP rs200040272, ClinGen allele CA5010680.